The following is an entry in ClinVar:

ClinVar aggregate classification (germline): Benign (1 of 4 stars; one submission).

gnomAD v4.1: 13,193 of 1,612,766 alleles (0.82%); highest among the groups gnomAD compares: Non-Finnish European, 1%; 68 homozygotes.

Submission:

CeGaT Center for Human Genetics Tuebingen
Classification: Benign. Last evaluated: 2026-09-01. Review status: criteria provided, single submitter. Criteria: CeGaT Center For Human Genetics Tuebingen Variant Classification Criteria Version 2. Collection method: clinical testing. Allele origin: germline. Affected: yes. Observed: 1 variant allele.
Comment: SPSB3: BP4, BP7, BS1, BS2

NM_080861.4(SPSB3):c.39C>T (p.Phe13=)

Genes: EME2 (essential meiotic structure-specific endonuclease subunit 2; plus strand), SPSB3 (splA/ryanodine receptor domain and SOCS box containing 3; minus strand). Cytogenetic location: 16p13.3.
Variant type: single nucleotide variant.
Coding change: c.39C>T on transcript NM_080861.4 (MANE Select); coding-DNA position 39, C replaced by T.
Protein change: p.Phe13=; no amino-acid change (phenylalanine 13 retained).
Molecular consequence: synonymous variant. On other transcripts: 3 prime UTR variant (1).
Genome position (GRCh38, 1-based): chr16:1,781,445, G>A on the plus strand (C>T on the coding strand, the complement: SPSB3 is on the minus strand). VCF-style: chr16-1781445-G-A. GRCh37 (hg19) VCF-style: chr16-1831446-G-A.
Other names: c.*5207G>A (NM_001257370.2); c.39C>T, p.Phe13= (NM_001324081.1).
Identifiers: ClinVar variation 5040802 (VCV005040802.1).
Genomic context (GRCh38, chr16:1,781,445, plus strand): 5'-AGTGGAGCCTGCTAGAGCCACGGCCCGGGCATCTGCGTCTCGGCGGGCTGCACTCAGGAC[G>A]AAGTGCCAGGCCCTGCTGTTCCGGGGGCGTCTGGCCATGGTGGAAAGAATCTAGAAGAAA-3'
Protein context (NP_543137.2, residues 3-23): RRPRNSRAWH[Phe13=]VLSAARRDAD